The following is an entry in ClinVar:

ClinVar aggregate classification (germline): Conflicting classifications of pathogenicity. Review status: criteria provided, conflicting classifications (1 of 4 stars). 2 submissions from 2 submitters: Likely pathogenic (1); Uncertain significance (1). Last evaluated 2025-11-06.

Conditions:
Mevalonic aciduria (MEVA). Identifiers: Orphanet 29, MedGen C1959626, MONDO:0012481, OMIM 610377.
Porokeratosis 3, disseminated superficial actinic type (POROK3). Also called: POROKERATOSIS, DISSEMINATED SUPERFICIAL ACTINIC, 1; POROKERATOSIS 3, MULTIPLE TYPES; POROKERATOSIS 3, MIBELLI TYPE. Identifiers: MedGen C1867981, MONDO:0008293, OMIM 175900.
Hyperimmunoglobulin D with periodic fever (HIDS). Also called: Hyperimmunoglobulinemia D with periodic fever; HYPERIMMUNOGLOBULINEMIA D AND PERIODIC FEVER SYNDROME; Hyperimmunoglobulinemia D. Identifiers: Orphanet 343, MedGen C0398691, MONDO:0009849, OMIM 260920.
Deficiency of mevalonate kinase. Also called: Mevalonate kinase deficiency. Identifiers: Orphanet 309025, MedGen C0342731, MONDO:0017708.

Submissions (2):

Victorian Clinical Genetics Services, Murdoch Childrens Research Institute
Classification: Likely pathogenic for Deficiency of mevalonate kinase. Last evaluated: 2025-11-06. Review status: criteria provided, single submitter. Criteria: ACMG Guidelines, 2015. Collection method: clinical testing. Allele origin: germline. Affected: yes.
Comment: This variant is classified as Likely pathogenic. Evidence in support of pathogenic classification: Variant is absent from gnomAD (v2, v3 and v4); Another missense variant(s) comparable to the one identified in this case has moderate previous evidence for pathogenicity. p.(Val250Ile) has been classified as likely pathogenic by a clinical laboratory in ClinVar. Additionally, it has been reported in the literature in multiple individuals with hyper-IgD syndrome or mevalonate kinase deficiency. In all cases it was observed with another missense variant; however, compound heterozygosity was only confirmed in one individual (PMID: 16931207, 15536479, 29234874); Missense variant predicted to be damaging by in silico tool(s) or highly conserved with a major amino acid change; Very strong and specific phenotype match for this individual. Additional information: Variant is predicted to result in a missense amino acid change from Val to Phe; This variant is homozygous; This gene is associated with autosomal recessive disease; Alternative amino acid change(s) at the same position are present in gnomAD (highest allele count: v4: 21 heterozygote(s), 0 homozygote(s)); Previous evidence of pathogenicity for this variant is inconclusive. This variant has been classified as a VUS by a clinical laboratory in ClinVar; No published evidence of segregation with disease has been identified for this variant; No published functional evidence has been identified for this variant; Variant is not located in an established domain, motif, hotspot or informative constraint region; Loss of function is a known mechanism of disease in this gene and is associated with mevalonate kinase deficiency (MONDO:0017708). - Variants in this gene are known to have variable expressivity. Intrafamilial variability has been reported (PMID: 32822427). In addition, this gene may be associated with a spectrum of disease, including severe perinatal presentations with hydrops (PMID: 27012807).

Labcorp Genetics (formerly Invitae), Labcorp
Classification: Uncertain significance for Mevalonic aciduria; Hyperimmunoglobulin D with periodic fever; Porokeratosis 3, disseminated superficial actinic type. Last evaluated: 2024-02-04. Review status: criteria provided, single submitter. Criteria: Invitae Variant Classification Sherloc (09022015). Collection method: clinical testing. Allele origin: germline.
Comment: This sequence change replaces valine, which is neutral and non-polar, with phenylalanine, which is neutral and non-polar, at codon 250 of the MVK protein (p.Val250Phe). This variant is not present in population databases (gnomAD no frequency). This variant has not been reported in the literature in individuals affected with MVK-related conditions. Advanced modeling of protein sequence and biophysical properties (such as structural, functional, and spatial information, amino acid conservation, physicochemical variation, residue mobility, and thermodynamic stability) has been performed at Invitae for this missense variant, however the output from this modeling did not meet the statistical confidence thresholds required to predict the impact of this variant on MVK protein function. This variant disrupts the p.Val250 amino acid residue in MVK. Other variant(s) that disrupt this residue have been determined to be pathogenic (PMID: 15536479; Invitae). This suggests that this residue is clinically significant, and that variants that disrupt this residue are likely to be disease-causing. In summary, the available evidence is currently insufficient to determine the role of this variant in disease. Therefore, it has been classified as a Variant of Uncertain Significance.

Literature cited by the submitters: PubMed 16931207 (cited by Victorian Clinical Genetics Services, Murdoch Childrens Research Institute); PubMed 29234874 (cited by Victorian Clinical Genetics Services, Murdoch Childrens Research Institute); PubMed 27012807 (cited by Victorian Clinical Genetics Services, Murdoch Childrens Research Institute); PubMed 32822427 (cited by Victorian Clinical Genetics Services, Murdoch Childrens Research Institute); PubMed 15536479 (cited by Victorian Clinical Genetics Services, Murdoch Childrens Research Institute and Labcorp Genetics (formerly Invitae), Labcorp).

NM_000431.4(MVK):c.748G>T (p.Val250Phe)

Gene: MVK (mevalonate kinase; plus strand). Cytogenetic location: 12q24.11.
Variant type: single nucleotide variant.
Coding change: c.748G>T on transcript NM_000431.4 (MANE Select); coding-DNA position 748, G replaced by T.
Protein change: p.Val250Phe; replaces valine 250 with phenylalanine.
Molecular consequence: missense variant. On other transcripts: non-coding transcript variant (3).
Genome position (GRCh38, 1-based): chr12:109,590,841, G>T. VCF-style: chr12-109590841-G-T. GRCh37 (hg19) VCF-style: chr12-110028646-G-T.
Other names: c.592G>T, p.Val198Phe (NM_001414514.1, NM_001301182.2); c.166G>T, p.Val56Phe (NM_001414515.1); c.748G>T, p.Val250Phe (NM_001114185.3, NM_001414511.1, NM_001414513.1); c.823G>T, p.Val275Phe (NM_001414512.1); short protein forms V198F, V250F, V275F, V56F.
Identifiers: ClinVar variation 3754414 (VCV003754414.3).
Genomic context (GRCh38, chr12:109,590,841, plus strand): 5'-CTCCAGATCCTGCTGACCAACACCAAAGTCCCTCGCAATACCAGGGCCCTTGTGGCTGGC[G>T]TCAGAAACAGGCTGCTCAAGGTGACTCTTGTTCCCTTCTTGGGCAGGTTTCAGGAAGGCC-3'
Protein context (NP_000422.1, residues 240-260): PRNTRALVAG[Val250Phe]RNRLLKFPEI